The following is an entry in ClinVar:

NM_003737.4(DCHS1):c.589C>T (p.Pro197Ser)

Gene: DCHS1 (dachsous cadherin-related 1; minus strand). Cytogenetic location: 11p15.4.
Variant type: single nucleotide variant.
Coding change: c.589C>T on transcript NM_003737.4 (MANE Select); coding-DNA position 589, C replaced by T.
Protein change: p.Pro197Ser; replaces proline 197 with serine.
Molecular consequence: missense variant.
Genome position (GRCh38, 1-based): chr11:6,641,025, G>A on the plus strand (C>T on the coding strand, the complement: DCHS1 is on the minus strand). VCF-style: chr11-6641025-G-A. GRCh37 (hg19) VCF-style: chr11-6662256-G-A.
Other names: short protein forms P197S.
Identifiers: ClinVar variation 2898559 (VCV002898559.3), dbSNP rs2493842954, ClinGen allele CA379441764.

ClinVar aggregate classification (germline): Uncertain significance (1 of 4 stars; one submission).

Allele frequency attached by ClinVar (database versions not stated): gnomAD exomes below 0.00001.
gnomAD v4.1: 3 of 1,613,998 alleles (0.00019%); highest among the groups gnomAD compares: Non-Finnish European, 0.00025%; no homozygotes.

Submission:

Labcorp Genetics (formerly Invitae), Labcorp
Classification: Uncertain significance. Last evaluated: 2025-09-15. Review status: criteria provided, single submitter. Criteria: Invitae Variant Classification Sherloc (09022015). Collection method: clinical testing. Allele origin: germline.
Comment: This sequence change replaces proline, which is neutral and non-polar, with serine, which is neutral and polar, at codon 197 of the DCHS1 protein (p.Pro197Ser). This variant is not present in population databases (gnomAD no frequency). This variant has not been reported in the literature in individuals affected with DCHS1-related conditions. ClinVar contains an entry for this variant (Variation ID: 2898559). Invitae Evidence Modeling of protein sequence and biophysical properties (such as structural, functional, and spatial information, amino acid conservation, physicochemical variation, residue mobility, and thermodynamic stability) indicates that this missense variant is not expected to disrupt DCHS1 protein function with a negative predictive value of 95%. In summary, the available evidence is currently insufficient to determine the role of this variant in disease. Therefore, it has been classified as a Variant of Uncertain Significance.